The following is an entry in ClinVar:

ClinVar aggregate classification (germline): Pathogenic. Review status: criteria provided, multiple submitters, no conflicts (2 of 4 stars). 2 submissions from 2 submitters: Pathogenic (2). Last evaluated 2023-09-15.

Conditions:
Hereditary cancer-predisposing syndrome. Also called: Tumor predisposition; Hereditary Cancer Syndrome; Hereditary neoplastic syndrome; Neoplastic Syndromes, Hereditary. Identifiers: Orphanet 140162, MedGen C0027672, MeSH D009386, MONDO:0015356.
Ataxia-telangiectasia syndrome (AT). Also called: ATAXIA-TELANGIECTASIA, COMPLEMENTATION GROUP A; ATAXIA-TELANGIECTASIA, FRESNO VARIANT; Ataxia-telangiectasia; Ataxia-telangiectasia, complementation group E; LOUIS-BAR SYNDROME; Cerebello-oculocutaneous telangiectasia. Identifiers: Orphanet 100, MedGen C0004135, MONDO:0008840, OMIM 208900.

Submissions (2):

Ambry Genetics
Classification: Pathogenic for Hereditary cancer-predisposing syndrome. Last evaluated: 2023-09-15. Review status: criteria provided, single submitter. Criteria: Ambry Variant Classification Scheme 2023. Collection method: clinical testing. Allele origin: germline.
Comment: The c.7507delA pathogenic mutation, located in coding exon 49 of the ATM gene, results from a deletion of one nucleotide at nucleotide position 7507, causing a translational frameshift with a predicted alternate stop codon (p.M2503*). This variant is considered to be rare based on population cohorts in the Genome Aggregation Database (gnomAD). This alteration is expected to result in loss of function by premature protein truncation or nonsense-mediated mRNA decay. As such, this alteration is interpreted as a disease-causing mutation.

Labcorp Genetics (formerly Invitae), Labcorp
Classification: Pathogenic for Ataxia-telangiectasia syndrome. Last evaluated: 2023-07-26. Review status: criteria provided, single submitter. Criteria: Invitae Variant Classification Sherloc (09022015). Collection method: clinical testing. Allele origin: germline.
Comment: This sequence change creates a premature translational stop signal (p.Met2503*) in the ATM gene. It is expected to result in an absent or disrupted protein product. Loss-of-function variants in ATM are known to be pathogenic (PMID: 23807571, 25614872). This variant is not present in population databases (gnomAD no frequency). For these reasons, this variant has been classified as Pathogenic. This variant has not been reported in the literature in individuals affected with ATM-related conditions.

Literature cited by the submitters: PubMed 23807571 (cited by Labcorp Genetics (formerly Invitae), Labcorp); PubMed 25614872 (cited by Labcorp Genetics (formerly Invitae), Labcorp).

NM_000051.4(ATM):c.7507del (p.Gly2502_Met2503insTer)

Genes: ATM (ATM serine/threonine kinase; plus strand), C11orf65 (chromosome 11 open reading frame 65; minus strand). Cytogenetic location: 11q22.3.
Variant type: Deletion.
Coding change: c.7507del on transcript NM_000051.4 (MANE Select); coding-DNA position 7507, one base deleted (A; older notation c.7507delA).
Protein change: p.Gly2502_Met2503insTer.
Molecular consequence: nonsense. On other transcripts: intron variant (2).
Genome position (GRCh38, 1-based): chr11:108,330,413, A deleted. VCF-style (leftmost placement, unchanged base first): chr11-108330412-CA-C. GRCh37 (hg19) VCF-style: chr11-108201139-CA-C.
Other names: c.7507del, p.Gly2502_Met2503insTer (NM_001351834.2); c.641-21342del (NM_001330368.2); c.*38+4807del (NM_001351110.2).
Identifiers: ClinVar variation 2863368 (VCV002863368.4), dbSNP rs2547264718, ClinGen allele CA2739265973.
Genomic context (GRCh38, chr11:108,330,412, plus strand): 5'-GTGGGTATTCCGACTTTGTTCCCTCTGGCTTGAAAATTCTGGAGTTTCTGAAGTCAATGG[CA>C]TGATGAAGGCAAGTGTTACTCAGCCCAATATTCTACCCTGTGCTTGAAAAACTTAGACAT-3'